The following is an entry in ClinVar:

ClinVar aggregate classification (germline): Uncertain significance (1 of 4 stars; one submission).

Allele frequency attached by ClinVar (database versions not stated): gnomAD exomes below 0.00001 and 0.00001; TOPMed below 0.00001; gnomAD 0.00001; ExAC 0.00002.

Submission:

Labcorp Genetics (formerly Invitae), Labcorp
Classification: Uncertain significance. Last evaluated: 2022-11-01. Review status: criteria provided, single submitter. Criteria: Invitae Variant Classification Sherloc (09022015). Collection method: clinical testing. Allele origin: germline.
Comment: In summary, the available evidence is currently insufficient to determine the role of this variant in disease. Therefore, it has been classified as a Variant of Uncertain Significance. Algorithms developed to predict the effect of missense changes on protein structure and function output the following: SIFT: "Tolerated"; PolyPhen-2: "Benign"; Align-GVGD: "Class C0". The serine amino acid residue is found in multiple mammalian species, which suggests that this missense change does not adversely affect protein function. ClinVar contains an entry for this variant (Variation ID: 1467514). This variant has not been reported in the literature in individuals affected with KIAA1549-related conditions. The frequency data for this variant in the population databases is considered unreliable, as metrics indicate poor data quality at this position in the gnomAD database. This sequence change replaces proline, which is neutral and non-polar, with serine, which is neutral and polar, at codon 531 of the KIAA1549 protein (p.Pro531Ser).

NM_001164665.2(KIAA1549):c.1591C>T (p.Pro531Ser)

Gene: KIAA1549 (KIAA1549; minus strand). Cytogenetic location: 7q34.
Variant type: single nucleotide variant.
Coding change: c.1591C>T on transcript NM_001164665.2 (MANE Select); coding-DNA position 1591, C replaced by T.
Protein change: p.Pro531Ser; replaces proline 531 with serine.
Molecular consequence: missense variant.
Genome position (GRCh38, 1-based): chr7:138,918,035, G>A on the plus strand (C>T on the coding strand, the complement: KIAA1549 is on the minus strand). VCF-style: chr7-138918035-G-A. GRCh37 (hg19) VCF-style: chr7-138602781-G-A.
Other names: c.1591C>T, p.Pro531Ser (NM_020910.3); short protein forms P531S.
Identifiers: ClinVar variation 1467514 (VCV001467514.8), dbSNP rs770435815, ClinGen allele CA4506678.
Genomic context (GRCh38, chr7:138,918,035, plus strand): 5'-ATGGCGTCACTTGGGTTTCAGCAACAGACAAGGAGCCAGCAGTAGGATCAAGTGACGCCG[G>A]CACAGAGAGGCGGCCGTGGGCAGGGGGAACCTGTGTGGTTGTAACACTACTCATATCCAC-3'
Protein context (NP_001158137.1, residues 521-541): VPPAHGRLSV[Pro531Ser]ASLDPTAGSL